The following is an entry in ClinVar:

NM_005876.5(SPEG):c.7213C>T (p.Leu2405Phe)

Genes: ASIC4-AS1 (ASIC4 antisense RNA 1; minus strand), SPEG (striated muscle enriched protein kinase; plus strand). Cytogenetic location: 2q35.
Variant type: single nucleotide variant.
Coding change: c.7213C>T on transcript NM_005876.5 (MANE Select); coding-DNA position 7213, C replaced by T.
Protein change: p.Leu2405Phe; replaces leucine 2405 with phenylalanine.
Molecular consequence: missense variant.
Genome position (GRCh38, 1-based): chr2:219,484,676, C>T. VCF-style: chr2-219484676-C-T. GRCh37 (hg19) VCF-style: chr2-220349398-C-T.
Other names: short protein forms L2405F.
Identifiers: ClinVar variation 4797445 (VCV004797445.1).
Genomic context (GRCh38, chr2:219,484,676, plus strand): 5'-GTGCGACGGCCTGAGCGCTCACGCTCGGTGCAGGACCTCAGGGCTGTCGGAGAGCCTGGC[C>T]TCGTCCGCCGCCTCTCGCTGTCACTGTCCCAGCGGCTGCGGCGGACCCCTCCCGCGCAGC-3'
Protein context (NP_005867.3, residues 2395-2415): QDLRAVGEPG[Leu2405Phe]VRRLSLSLSQ

ClinVar aggregate classification (germline): Uncertain significance (1 of 4 stars; one submission).

gnomAD v4.1: 3 of 1,521,888 alleles (0.0002%); highest among the groups gnomAD compares: Non-Finnish European, 0.00026%; no homozygotes.

Submission:

Labcorp Genetics (formerly Invitae), Labcorp
Classification: Uncertain significance. Last evaluated: 2025-07-08. Review status: criteria provided, single submitter. Criteria: Invitae Variant Classification Sherloc (09022015). Collection method: clinical testing. Allele origin: germline.
Comment: This sequence change replaces leucine, which is neutral and non-polar, with phenylalanine, which is neutral and non-polar, at codon 2405 of the SPEG protein (p.Leu2405Phe). This variant is not present in population databases (gnomAD no frequency). This variant has not been reported in the literature in individuals affected with SPEG-related conditions. An algorithm developed to predict the effect of missense changes on protein structure and function outputs the following: PolyPhen-2: "Benign". The phenylalanine amino acid residue is found in multiple mammalian species, which suggests that this missense change does not adversely affect protein function. In summary, the available evidence is currently insufficient to determine the role of this variant in disease. Therefore, it has been classified as a Variant of Uncertain Significance.